The following is an entry in ClinVar:

NM_000474.4(TWIST1):c.332T>C (p.Val111Ala)

Gene: TWIST1 (twist family bHLH transcription factor 1; minus strand). Cytogenetic location: 7p21.1.
Variant type: single nucleotide variant.
Coding change: c.332T>C on transcript NM_000474.4 (MANE Select); coding-DNA position 332, T replaced by C.
Protein change: p.Val111Ala; replaces valine 111 with alanine.
Molecular consequence: missense variant. On other transcripts: non-coding transcript variant (1).
Genome position (GRCh38, 1-based): chr7:19,116,990, A>G on the plus strand (T>C on the coding strand, the complement: TWIST1 is on the minus strand). VCF-style: chr7-19116990-A-G. GRCh37 (hg19) VCF-style: chr7-19156613-A-G.
Other names: short protein forms V111A.
Identifiers: ClinVar variation 3364495 (VCV003364495.1).

ClinVar aggregate classification (germline): Uncertain significance (1 of 4 stars; one submission).

Submission:

GeneDx
Classification: Uncertain significance. Last evaluated: 2023-11-25. Review status: criteria provided, single submitter. Criteria: GeneDx Variant Classification Process June 2021. Collection method: clinical testing. Allele origin: germline. Affected: yes.
Comment: Not observed at significant frequency in large population cohorts (gnomAD); In silico analysis supports that this missense variant has a deleterious effect on protein structure/function; Has not been previously published as pathogenic or benign to our knowledge